The following is an entry in ClinVar:

NM_000057.4(BLM):c.358T>C (p.Cys120Arg)

Gene: BLM (BLM RecQ like helicase; plus strand). Cytogenetic location: 15q26.1.
Variant type: single nucleotide variant.
Coding change: c.358T>C on transcript NM_000057.4 (MANE Select); coding-DNA position 358, T replaced by C.
Protein change: p.Cys120Arg; replaces cysteine 120 with arginine.
Molecular consequence: missense variant. On other transcripts: 5 prime UTR variant (1).
Genome position (GRCh38, 1-based): chr15:90,749,626, T>C. VCF-style: chr15-90749626-T-C. GRCh37 (hg19) VCF-style: chr15-91292856-T-C.
Other names: c.358T>C, p.Cys120Arg (NM_001287246.2, NM_001287247.2); c.-934T>C (NM_001287248.2); c.358T>C (NM_000057.3); short protein forms C120R.
Identifiers: ClinVar variation 2566828 (VCV002566828.5), dbSNP rs2505391785, ClinGen allele CA393840380.

ClinVar aggregate classification (germline): Uncertain significance. Review status: criteria provided, multiple submitters, no conflicts (2 of 4 stars). 3 submissions from 3 submitters: Uncertain significance (2). 1 of the submissions does not count toward it. Last evaluated 2025-08-18.

Conditions:
Hereditary cancer-predisposing syndrome. Also called: Hereditary neoplastic syndrome; Hereditary Cancer Syndrome; Neoplastic Syndromes, Hereditary; Tumor predisposition. Identifiers: Orphanet 140162, MedGen C0027672, MeSH D009386, MONDO:0015356.
Bloom syndrome (BLM). Also called: Bloom-Torre-Machacek syndrome. Identifiers: Orphanet 125, MedGen C0005859, MONDO:0008876, OMIM 210900.

Submissions (3):

Labcorp Genetics (formerly Invitae), Labcorp
Classification: Uncertain significance for Bloom syndrome. Last evaluated: 2025-08-18. Review status: criteria provided, single submitter. Criteria: Invitae Variant Classification Sherloc (09022015). Collection method: clinical testing. Allele origin: germline.
Comment: This sequence change replaces cysteine, which is neutral and slightly polar, with arginine, which is basic and polar, at codon 120 of the BLM protein (p.Cys120Arg). This variant is not present in population databases (gnomAD no frequency). This variant has not been reported in the literature in individuals affected with BLM-related conditions. ClinVar contains an entry for this variant (Variation ID: 2566828). An algorithm developed to predict the effect of missense changes on protein structure and function (PolyPhen-2) suggests that this variant is likely to be tolerated. In summary, the available evidence is currently insufficient to determine the role of this variant in disease. Therefore, it has been classified as a Variant of Uncertain Significance.

Ambry Genetics
Classification: Uncertain significance for Hereditary cancer-predisposing syndrome. Last evaluated: 2025-05-21. Review status: criteria provided, single submitter. Criteria: Ambry Variant Classification Scheme 2023. Collection method: clinical testing. Allele origin: germline.
Comment: The p.C120R variant (also known as c.358T>C), located in coding exon 2 of the BLM gene, results from a T to C substitution at nucleotide position 358. The cysteine at codon 120 is replaced by arginine, an amino acid with highly dissimilar properties. This amino acid position is conserved. In addition, this alteration is predicted to be tolerated by in silico analysis. Since supporting evidence is limited at this time, the clinical significance of this alteration remains unclear.

Natera, Inc.
Classification: Uncertain significance for Bloom syndrome. Last evaluated: 2025-04-17. Review status: no assertion criteria provided. Collection method: clinical testing. Allele origin: germline. Not counted in ClinVar's aggregate classification.